The following is an entry in ClinVar:

NM_001134363.3(RBM20):c.1801-11G>C

Gene: RBM20 (RNA binding motif protein 20; plus strand). Cytogenetic location: 10q25.2.
Variant type: single nucleotide variant.
Coding change: c.1801-11G>C on transcript NM_001134363.3 (MANE Select); 11 bases into the intron before coding-DNA position 1801, G replaced by C.
Molecular consequence: intron variant.
Genome position (GRCh38, 1-based): chr10:110,810,372, G>C. VCF-style: chr10-110810372-G-C. GRCh37 (hg19) VCF-style: chr10-112570130-G-C.
Other names: c.1801-11G>C (NM_001134363.2).
Identifiers: ClinVar variation 43977 (VCV000043977.24), dbSNP rs12572941, ClinGen allele CA133283.

ClinVar aggregate classification (germline): Benign/Likely benign. Review status: criteria provided, multiple submitters, no conflicts (2 of 4 stars). 12 submissions from 12 submitters: Benign (6); Likely benign (2). 4 of the submissions do not count toward it. Last evaluated 2026-09-21.

Conditions:
Dilated cardiomyopathy 1DD (CMD1DD). Identifiers: Orphanet 154, MedGen C2750995, MONDO:0013168, OMIM 613172.

Allele frequency attached by ClinVar (database versions not stated): TOPMed 0.02402; 1000 Genomes Project 0.03654; 1000 Genomes Project 30x 0.03545; ExAC 0.04982; gnomAD 0.02426 and 0.02649; ESP Exome Variant Server 0.02694.
gnomAD v4.1: 41,739 of 1,549,418 alleles (2.7%); highest among the groups gnomAD compares: South Asian, 9.4%; 876 homozygotes.

Submissions (12):

Molecular Diagnostic Laboratory for Inherited Cardiovascular Disease, Montreal Heart Institute
Classification: Benign. Last evaluated: 2026-09-21. Review status: criteria provided, single submitter. Criteria: ACMG Guidelines, 2015. Collection method: clinical testing. Allele origin: germline. Affected: no.
Comment: BA1

Labcorp Genetics (formerly Invitae), Labcorp
Classification: Benign for Dilated cardiomyopathy 1DD. Last evaluated: 2026-02-04. Review status: criteria provided, single submitter. Criteria: Invitae Variant Classification Sherloc (09022015). Collection method: clinical testing. Allele origin: germline.

Blueprint Genetics
Classification: Benign. Last evaluated: 2024-11-27. Review status: criteria provided, single submitter. Criteria: ACMG Guidelines, 2015. Collection method: clinical testing. Allele origin: germline.

Illumina Laboratory Services, Illumina
Classification: Likely benign for Dilated cardiomyopathy 1DD. Last evaluated: 2018-01-12. Review status: criteria provided, single submitter. Criteria: ICSL Variant Classification Criteria 13 December 2019. Collection method: clinical testing. Allele origin: germline.
Comment: This variant was observed in the ICSL laboratory as part of a predisposition screen in an ostensibly healthy population. It had not been previously curated by ICSL or reported in the Human Gene Mutation Database (HGMD: prior to June 1st, 2018), and was therefore a candidate for classification through an automated scoring system. Utilizing variant allele frequency, disease prevalence and penetrance estimates, and inheritance mode, an automated score was calculated to assess if this variant is too frequent to cause the disease. Based on the score and internal cut-off values, a variant classified as likely benign is not then subjected to further curation. The score for this variant resulted in a classification of likely benign for this disease.

GeneDx
Classification: Benign. Last evaluated: 2012-10-18. Review status: criteria provided, single submitter. Criteria: GeneDx Variant Classification (06012015). Collection method: clinical testing. Allele origin: germline. Affected: yes.
Comment: This variant is considered likely benign or benign based on one or more of the following criteria: it is a conservative change, it occurs at a poorly conserved position in the protein, it is predicted to be benign by multiple in silico algorithms, and/or has population frequency not consistent with disease.

Laboratory for Molecular Medicine, Mass General Brigham Personalized Medicine
Classification: Benign. Last evaluated: 2012-04-17. Review status: criteria provided, single submitter. Criteria: LMM Criteria. Collection method: clinical testing. Allele origin: germline. Observed: 99 variant alleles.
Comment: 1801-11G>C in intron 7 of RBM20: This variant is not expected to have clinical s ignificance because it has been identified in 2.6% (67/2532) of European America n chromosomes and 3.3% (23/702) of African American chromosomes from a broad pop ulation by the NHLBI Exome Sequencing Project (dbSNP rs12572941)

Breakthrough Genomics
Classification: Likely benign. Review status: criteria provided, single submitter. Criteria: ACMG Guidelines, 2015. Collection method: not provided. Allele origin: germline. Inheritance: Autosomal dominant inheritance. Affected: yes.

PreventionGenetics, part of Exact Sciences
Classification: Benign. Review status: criteria provided, single submitter. Criteria: ACMG Guidelines, 2015. Collection method: clinical testing. Allele origin: germline.

Clinical Genetics, Academic Medical Center
Classification: Benign. Review status: no assertion criteria provided. Collection method: clinical testing. Allele origin: germline. Affected: yes. Study: VKGL Data-share Consensus. Not counted in ClinVar's aggregate classification.

Diagnostic Laboratory, Department of Genetics, University Medical Center Groningen
Classification: Benign for Dilated cardiomyopathy 1DD. Review status: no assertion criteria provided. Collection method: clinical testing. Allele origin: germline. Affected: yes. Study: VKGL Data-share Consensus. Not counted in ClinVar's aggregate classification.

Genome Diagnostics Laboratory, University Medical Center Utrecht
Classification: Benign. Review status: no assertion criteria provided. Collection method: clinical testing. Allele origin: germline. Affected: yes. Study: VKGL Data-share Consensus. Not counted in ClinVar's aggregate classification.

Joint Genome Diagnostic Labs from Nijmegen and Maastricht, Radboudumc and MUMC+
Classification: Benign. Review status: no assertion criteria provided. Collection method: clinical testing. Allele origin: germline. Affected: yes. Study: VKGL Data-share Consensus. Not counted in ClinVar's aggregate classification.